The following is an entry in ClinVar:

NM_005359.6(SMAD4):c.249+10A>C

Gene: SMAD4 (SMAD family member 4; plus strand). Cytogenetic location: 18q21.2.
Variant type: single nucleotide variant.
Coding change: c.249+10A>C on transcript NM_005359.6 (MANE Select); 10 bases into the intron after coding-DNA position 249, A replaced by C.
Molecular consequence: intron variant.
Genome position (GRCh38, 1-based): chr18:51,047,305, A>C. VCF-style: chr18-51047305-A-C. GRCh37 (hg19) VCF-style: chr18-48573675-A-C.
Identifiers: ClinVar variation 327110 (VCV000327110.22), dbSNP rs752243771, ClinGen allele CA8965744.

ClinVar aggregate classification (germline): Conflicting classifications of pathogenicity. Review status: criteria provided, conflicting classifications (1 of 4 stars). 8 submissions from 6 submitters: Uncertain significance (3); Likely benign (4). 1 of the submissions does not count toward it. Last evaluated 2026-01-27.

Conditions:
Hereditary cancer-predisposing syndrome. Also called: Hereditary neoplastic syndrome; Hereditary Cancer Syndrome; Neoplastic Syndromes, Hereditary; Tumor predisposition. Identifiers: Orphanet 140162, MedGen C0027672, MeSH D009386, MONDO:0015356.
Myhre syndrome (MYHRS). Also called: LARYNGOTRACHEAL STENOSIS, ARTHROPATHY, PROGNATHISM, AND SHORT STATURE; LAPS SYNDROME. Identifiers: Orphanet 2588, MedGen C0796081, MONDO:0007688, OMIM 139210.
Juvenile polyposis syndrome (JPS). Identifiers: Orphanet 2929, MedGen C0345893, MONDO:0017380, OMIM 174900.
Juvenile polyposis/hereditary hemorrhagic telangiectasia syndrome (JPHT). Also called: JP/HHT SYNDROME; JUVENILE POLYPOSIS WITH HEREDITARY HEMORRHAGIC TELANGIECTASIA; POLYPOSIS, GENERALIZED JUVENILE, WITH PULMONARY ARTERIOVENOUS MALFORMATION; TELANGIECTASIA, HEREDITARY HEMORRHAGIC, WITH JUVENILE POLYPOSIS COLI; Juvenile Polyposis Syndrome / Hereditary Hemorrhagic Telangiectasia (JPS/HHT). Identifiers: Orphanet 2929, MedGen C1832942, MONDO:0008278, OMIM 175050.
Generalized juvenile polyposis/juvenile polyposis coli. Also called: Juvenile polyposis coli. Identifiers: Orphanet 329971, MedGen C1868081, MONDO:0008276.

Allele frequency attached by ClinVar (database versions not stated): ExAC 0.00001; gnomAD exomes 0.00001; TOPMed 0.00001.
gnomAD v4.1: 3 of 1,610,444 alleles (0.00019%); highest among the groups gnomAD compares: South Asian, 0.0033%; no homozygotes.

Submissions (8):

Labcorp Genetics (formerly Invitae), Labcorp
Classification: Likely benign for Juvenile polyposis syndrome. Last evaluated: 2026-01-27. Review status: criteria provided, single submitter. Criteria: Invitae Variant Classification Sherloc (09022015). Collection method: clinical testing. Allele origin: germline.

Myriad Genetics, Inc.
Classification: Likely benign for Juvenile polyposis/hereditary hemorrhagic telangiectasia syndrome. Last evaluated: 2023-04-10. Review status: criteria provided, single submitter. Criteria: Myriad Autosomal Dominant, Autosomal Recessive and X-Linked Classification Criteria (2023). Collection method: clinical testing. Allele origin: unknown.
Comment: This variant is considered likely benign. This variant is intronic and is not expected to impact mRNA splicing.

Color Diagnostics, LLC DBA Color Health
Classification: Likely benign for Hereditary cancer-predisposing syndrome. Last evaluated: 2018-01-26. Review status: criteria provided, single submitter. Criteria: ACMG Guidelines, 2015. Collection method: clinical testing. Allele origin: germline.

Illumina Laboratory Services, Illumina
Classification: Uncertain significance for Juvenile polyposis syndrome. Last evaluated: 2018-01-12. Review status: criteria provided, single submitter. Criteria: ICSL Variant Classification Criteria 13 December 2019. Collection method: clinical testing. Allele origin: germline.

Illumina Laboratory Services, Illumina
Classification: Uncertain significance for Myhre syndrome. Last evaluated: 2018-01-12. Review status: criteria provided, single submitter. Criteria: ICSL Variant Classification Criteria 13 December 2019. Collection method: clinical testing. Allele origin: germline.

Illumina Laboratory Services, Illumina
Classification: Uncertain significance for Juvenile polyposis/hereditary hemorrhagic telangiectasia syndrome. Last evaluated: 2018-01-12. Review status: criteria provided, single submitter. Criteria: ICSL Variant Classification Criteria 13 December 2019. Collection method: clinical testing. Allele origin: germline.

GeneDx
Classification: Likely benign. Last evaluated: 2016-11-30. Review status: criteria provided, single submitter. Criteria: GeneDx Variant Classification (06012015). Collection method: clinical testing. Allele origin: germline. Affected: yes.
Comment: This variant is considered likely benign or benign based on one or more of the following criteria: it is a conservative change, it occurs at a poorly conserved position in the protein, it is predicted to be benign by multiple in silico algorithms, and/or has population frequency not consistent with disease.

Counsyl
Classification: Likely benign for Juvenile polyposis syndrome. Last evaluated: 2016-08-23. Review status: no assertion criteria provided. Collection method: clinical testing. Allele origin: unknown. Not counted in ClinVar's aggregate classification.